The following is an entry in ClinVar:

NM_000465.4(BARD1):c.1448A>G (p.His483Arg)

Gene: BARD1 (BRCA1 associated RING domain 1; minus strand). Cytogenetic location: 2q35.
Variant type: single nucleotide variant.
Coding change: c.1448A>G on transcript NM_000465.4 (MANE Select); coding-DNA position 1448, A replaced by G.
Protein change: p.His483Arg; replaces histidine 483 with arginine.
Molecular consequence: missense variant. On other transcripts: non-coding transcript variant (3), intron variant (3).
Genome position (GRCh38, 1-based): chr2:214,767,602, T>C on the plus strand (A>G on the coding strand, the complement: BARD1 is on the minus strand). VCF-style: chr2-214767602-T-C. GRCh37 (hg19) VCF-style: chr2-215632326-T-C.
Other names: c.1391A>G, p.His464Arg (NM_001282543.2); c.159-15047A>G (NM_001282548.2); c.216-15047A>G (NM_001282545.2); c.364+24695A>G (NM_001282549.2); short protein forms H483R, H464R.
Identifiers: ClinVar variation 141608 (VCV000141608.38), dbSNP rs587781874, ClinGen allele CA333217.

ClinVar aggregate classification (germline): Conflicting classifications of pathogenicity. Review status: criteria provided, conflicting classifications (1 of 4 stars). 12 submissions from 12 submitters: Uncertain significance (8); Likely benign (2). 2 of the submissions do not count toward it. Last evaluated 2026-05-05.

Conditions:
BARD1-related cancer predisposition. Identifiers: MedGen CN377756, MONDO:0700267.
Hereditary cancer-predisposing syndrome. Also called: Neoplastic Syndromes, Hereditary; Hereditary neoplastic syndrome; Hereditary Cancer Syndrome; Tumor predisposition. Identifiers: Orphanet 140162, MedGen C0027672, MeSH D009386, MONDO:0015356.
Familial pancreatic carcinoma. Identifiers: Orphanet 1333, MedGen C2931038, MONDO:0015278, OMIM 260350.
Familial cancer of breast. Also called: BREAST CANCER, FAMILIAL; hereditary breast carcinoma; Hereditary breast cancer. Identifiers: Orphanet 227535, MedGen C0346153, MONDO:0016419, OMIM 114480. Disease mechanism: loss of function.

Allele frequency attached by ClinVar (database versions not stated): gnomAD 0.00001; ExAC 0.00002; gnomAD exomes 0.00003 and 0.00002; TOPMed 0.00001.
gnomAD v4.1: 42 of 1,614,000 alleles (0.0026%); highest among the groups gnomAD compares: Middle Eastern, 0.066%; no homozygotes.

Submissions (12):

Institute for Biomarker Research, Medical Diagnostic Laboratories, L.L.C.
Classification: Uncertain significance for Hereditary cancer-predisposing syndrome. Last evaluated: 2026-05-05. Review status: criteria provided, single submitter. Criteria: ACMG Guidelines, 2015. Collection method: clinical testing. Allele origin: germline.
Comment: The missense variant NM_000465.4(BARD1):c.1448A>G (p.His483Arg) is not currently classified as pathogenic in clinical sources (Accession: VCV000141608.37). There is a small physicochemical difference between histidine and arginine, which is not likely to impact secondary protein structure as these residues share similar properties. The p.His483Arg variant is predicted to introduce a novel donor splice site at this position by 3 of 4 splice site algorithms, resulting in a frameshift. The p.His483Arg missense variant is predicted to be damaging by both SIFT and PolyPhen2. The histidine residue at codon 483 of BARD1 is conserved in all mammalian species. For these reasons, this variant has been classified as Uncertain Significance.

Labcorp Genetics (formerly Invitae), Labcorp
Classification: Uncertain significance for Familial cancer of breast. Last evaluated: 2026-01-10. Review status: criteria provided, single submitter. Criteria: Invitae Variant Classification Sherloc (09022015). Collection method: clinical testing. Allele origin: germline.
Comment: This sequence change replaces histidine, which is basic and polar, with arginine, which is basic and polar, at codon 483 of the BARD1 protein (p.His483Arg). This variant is present in population databases (rs587781874, gnomAD 0.003%). This variant has not been reported in the literature in individuals affected with BARD1-related conditions. ClinVar contains an entry for this variant (Variation ID: 141608). An algorithm developed to predict the effect of missense changes on protein structure and function (PolyPhen-2) suggests that this variant is likely to be tolerated. Experimental studies have shown that this missense change does not substantially affect BARD1 function (PMID: 30925164). RNA analysis performed to evaluate the impact of this missense change on mRNA splicing indicates it does not significantly alter splicing (internal data). In summary, the available evidence is currently insufficient to determine the role of this variant in disease. Therefore, it has been classified as a Variant of Uncertain Significance.

Women's Health and Genetics/Laboratory Corporation of America, LabCorp
Classification: Uncertain significance. Last evaluated: 2024-08-23. Review status: criteria provided, single submitter. Criteria: LabCorp Variant Classification Summary - May 2015. Collection method: clinical testing. Allele origin: germline.
Comment: Variant summary: BARD1 c.1448A>G (p.His483Arg) results in a non-conservative amino acid change in the encoded protein sequence. Three of five in-silico tools predict a benign effect of the variant on protein function. The variant allele was found at a frequency of 1.6e-05 in 251326 control chromosomes. The available data on variant occurrences in the general population are insufficient to allow any conclusion about variant significance. c.1448A>G has been reported in the literature in individuals affected with an unspecified cancer type (Adamovich_2019) as well as healthy controls (Ramus_2015). These report(s) do not provide unequivocal conclusions about association of the variant with Hereditary Breast And Ovarian Cancer Syndrome. At least one publication reports experimental evidence evaluating an impact on protein function. These results showed no damaging effect of this variant (Adamovich_2019). The following publications have been ascertained in the context of this evaluation (PMID: 30925164, 26315354). ClinVar contains an entry for this variant (Variation ID: 141608). Based on the evidence outlined above, the variant was classified as uncertain significance.

Molecular Pathology, Peter Maccallum Cancer Centre
Classification: Uncertain significance for BARD1-related cancer predisposition. Last evaluated: 2024-06-03. Review status: criteria provided, single submitter. Criteria: ACMG Guidelines, 2015. Collection method: clinical testing. Allele origin: germline. Inheritance: Autosomal dominant inheritance.

Color Diagnostics, LLC DBA Color Health
Classification: Uncertain significance for Hereditary cancer-predisposing syndrome. Last evaluated: 2024-02-26. Review status: criteria provided, single submitter. Criteria: ACMG Guidelines, 2015. Collection method: clinical testing. Allele origin: germline.
Comment: This missense variant replaces histidine with arginine at codon 483 of the BARD1 protein. Computational prediction suggests that this variant may not impact protein structure and function. A functional study has shown the mutant protein to exhibit near normal homology-directed DNA repair activity (PMID: 30925164). This variant has not been reported in individuals affected with hereditary cancer in the literature. In a ovarian cancer case control study, this variant was absent in 3374 cases and observed in 1/3487 controls (PMID: 26315354). This variant has been identified in 4/251326 chromosomes in the general population by the Genome Aggregation Database (gnomAD). The available evidence is insufficient to determine the role of this variant in disease conclusively. Therefore, this variant is classified as a Variant of Uncertain Significance.

GeneDx
Classification: Uncertain significance. Last evaluated: 2023-04-11. Review status: criteria provided, single submitter. Criteria: GeneDx Variant Classification Process June 2021. Collection method: clinical testing. Allele origin: germline. Affected: yes.
Comment: Not observed at a significant frequency in large population cohorts (gnomAD); In silico analysis supports that this missense variant has a deleterious effect on protein structure/function; Observed in a control in an ovarian cancer case-control study (Ramus et al., 2015); Published functional studies demonstrate a benign effect: homology-directed repair activity similar to a wild type control (Adamovich et al., 2019); This variant is associated with the following publications: (PMID: 18480049, 31159747, 30925164, 26315354)

Myriad Genetics, Inc.
Classification: Likely benign for Familial cancer of breast. Last evaluated: 2023-02-24. Review status: criteria provided, single submitter. Criteria: Myriad Autosomal Dominant, Autosomal Recessive and X-Linked Classification Criteria (2023). Collection method: clinical testing. Allele origin: unknown.
Comment: This variant is considered likely benign. This variant is strongly associated with less severe personal and family histories of cancer, typical for individuals without pathogenic variants in this gene [PMID: 25085752].

Ambry Genetics
Classification: Likely benign for Hereditary cancer-predisposing syndrome. Last evaluated: 2020-05-19. Review status: criteria provided, single submitter. Criteria: Ambry Variant Classification Scheme 2023. Collection method: clinical testing. Allele origin: germline.

Quest Diagnostics Nichols Institute San Juan Capistrano
Classification: Uncertain significance. Last evaluated: 2019-11-13. Review status: criteria provided, single submitter. Criteria: Quest Diagnostics criteria. Collection method: clinical testing. Allele origin: unknown.

GeneKor MSA
Classification: Uncertain significance for Hereditary cancer-predisposing syndrome. Last evaluated: 2018-08-01. Review status: criteria provided, single submitter. Criteria: ACMG Guidelines, 2015. Collection method: clinical testing. Allele origin: germline. Affected: yes.

Counsyl
Classification: Uncertain significance for Familial cancer of breast. Last evaluated: 2017-08-10. Review status: no assertion criteria provided. Collection method: clinical testing. Allele origin: unknown. Not counted in ClinVar's aggregate classification.

Department of Pathology and Laboratory Medicine, Sinai Health System
Classification: Uncertain significance for Familial pancreatic carcinoma. Review status: no assertion criteria provided. Collection method: clinical testing. Allele origin: unknown. Affected: yes. Observed: 1 variant allele. Study: The Canadian Open Genetics Repository (COGR). Not counted in ClinVar's aggregate classification.
Comment: The BARD1 p.His483Arg variant was not identified in 6472 proband chromosomes from individuals or families with ovarian cancer, but was present in 1 of 6862 control chromosomes (frequency: 0.0002) from healthy individuals (Ramus 2015). The variant was also identified in dbSNP (ID: rs587781874) as "With Uncertain significance allele", and in ClinVar (classified as uncertain significance by Ambry Genetics, Invitae, Counsyl and two other submitters). The variant was identified in control databases in 4 of 246094 chromosomes at a frequency of 0.00002 (Genome Aggregation Database Feb 27, 2017). The variant was observed in the following populations: Other in 1 of 5470 chromosomes (freq: 0.0002), Latino in 1 of 33534 chromosomes (freq: 0.00003), European in 2 of 111620 chromosomes (freq: 0.00002), while the variant was not observed in the African, Ashkenazi Jewish, East Asian, Finnish, and South Asian populations. The p.His483 residue is conserved in mammals and computational analyses (PolyPhen-2, SIFT, AlignGVGD, BLOSUM, MutationTaster) provide inconsistent predictions regarding the impact to the protein; this information is not very predictive of pathogenicity. The variant occurs outside of the splicing consensus sequence and 3 of 4 in silico or computational prediction software programs (SpliceSiteFinder, MaxEntScan, NNSPLICE, GeneSplicer) predict a greater than 10% difference in splicing. However, this information is not predictive enough to assume pathogenicity. In summary, based on the above information the clinical significance of this variant cannot be determined with certainty at this time. This variant is classified as a variant of uncertain significance.

Literature cited by the submitters: PubMed 30925164 (cited by 4 submitters); PubMed 26315354 (cited by 5 submitters); PubMed 25085752 (cited by Myriad Genetics, Inc.).